The following is an entry in ClinVar:

ClinVar aggregate classification (germline): Benign (1 of 4 stars; one submission).

Conditions:
Autosomal dominant Parkinson disease 8. Also called: LRRK2-Related Parkinson Disease; Parkinson disease 8; Parkinson disease 8, susceptibility to. Identifiers: Orphanet 411602, MedGen C1846862, MONDO:0011764, OMIM 607060.

Allele frequency attached by ClinVar (database versions not stated): gnomAD exomes 0.00047; gnomAD 0.00522 and 0.00565; 1000 Genomes Project 0.00539; 1000 Genomes Project 30x 0.00562; TOPMed 0.00581.
gnomAD v4.1: 795 of 174,058 alleles (0.46%); highest among the groups gnomAD compares: African/African-American, 1.8%; 10 homozygotes.

Submission:

Illumina Laboratory Services, Illumina
Classification: Benign for Autosomal dominant Parkinson disease 8. Last evaluated: 2018-01-13. Review status: criteria provided, single submitter. Criteria: ICSL Variant Classification Criteria 13 December 2019. Collection method: clinical testing. Allele origin: germline.
Comment: This variant was observed in the ICSL laboratory as part of a predisposition screen in an ostensibly healthy population. It had not been previously curated by ICSL or reported in the Human Gene Mutation Database (HGMD: prior to June 1st, 2018), and was therefore a candidate for classification through an automated scoring system. Utilizing variant allele frequency, disease prevalence and penetrance estimates, and inheritance mode, an automated score was calculated to assess if this variant is too frequent to cause the disease. Based on the score and internal cut-off values, a variant classified as benign is not then subjected to further curation. The score for this variant resulted in a classification of benign for this disease.

NM_198578.4(LRRK2):c.*346A>G

Gene: LRRK2 (leucine rich repeat kinase 2; plus strand). Cytogenetic location: 12q12.
Variant type: single nucleotide variant.
Coding change: c.*346A>G on transcript NM_198578.4 (MANE Select); 346 bases downstream of the stop codon, A replaced by G.
Molecular consequence: 3 prime UTR variant.
Genome position (GRCh38, 1-based): chr12:40,368,111, A>G. VCF-style: chr12-40368111-A-G. GRCh37 (hg19) VCF-style: chr12-40761913-A-G.
Identifiers: ClinVar variation 308655 (VCV000308655.5), dbSNP rs17520676, ClinGen allele CA10637378.